The following is an entry in ClinVar:

ClinVar aggregate classification (germline): Conflicting classifications of pathogenicity. Review status: criteria provided, conflicting classifications (1 of 4 stars). 7 submissions from 7 submitters: Likely pathogenic (1); Uncertain significance (5). 1 of the submissions does not count toward it. Last evaluated 2025-12-01.

Conditions:
Noonan syndrome 8 (NS8). Identifiers: Orphanet 648, MedGen C3809233, MONDO:0014143, OMIM 615355.
Noonan syndrome 1 (NS1). Also called: FEMALE PSEUDO-TURNER SYNDROME; TURNER PHENOTYPE WITH NORMAL KARYOTYPE; PTPN11-Related Noonan Syndrome. Identifiers: Orphanet 648, MedGen C4551602, MONDO:0008104, OMIM 163950. Disease mechanism: gain of function.

Allele frequency attached by ClinVar (database versions not stated): TOPMed below 0.00001.

Submissions (7):

Women's Health and Genetics/Laboratory Corporation of America, LabCorp
Classification: Uncertain significance. Last evaluated: 2025-12-01. Review status: criteria provided, single submitter. Criteria: LabCorp Variant Classification Summary - May 2015. Collection method: clinical testing. Allele origin: germline.
Comment: Variant summary: RIT1 c.112A>G (p.Thr38Ala) results in a non-conservative amino acid change in the encoded protein sequence. Algorithms developed to predict the effect of missense changes on protein structure and function are either unavailable or do not agree on the potential impact of this missense change. The variant was absent in 251442 control chromosomes. The available data on variant occurrences in the general population are insufficient to allow any conclusion about variant significance. c.112A>G has been observed in the presumed heterozygous state in at least 1 individual(s) affected with clinical features of Noonan syndrome (example, Labcorp Genetics (formerly Invitae)). These data do not allow any conclusion about variant significance. One publication reports experimental evidence evaluating an impact on protein function in vitro, however, does not allow convincing conclusions about the variant effect (example, Berger_2014). The following publications have been ascertained in the context of this evaluation (PMID: 24469055, 27226556). ClinVar contains an entry for this variant (Variation ID: 577778). Based on the evidence outlined above, the variant was classified as uncertain significance.

Labcorp Genetics (formerly Invitae), Labcorp
Classification: Uncertain significance for Noonan syndrome 8. Last evaluated: 2025-10-01. Review status: criteria provided, single submitter. Criteria: Invitae Variant Classification Sherloc (09022015). Collection method: clinical testing. Allele origin: germline.
Comment: This sequence change replaces threonine, which is neutral and polar, with alanine, which is neutral and non-polar, at codon 38 of the RIT1 protein (p.Thr38Ala). This variant is not present in population databases (gnomAD no frequency). This missense change has been observed in individuals with clinical features of Noonan syndrome (internal data). ClinVar contains an entry for this variant (Variation ID: 577778). Invitae Evidence Modeling incorporating data from in vitro experimental studies (internal data) did not meet the statistical confidence thresholds required to predict the impact of this variant on RIT1 function. In summary, the available evidence is currently insufficient to determine the role of this variant in disease. Therefore, it has been classified as a Variant of Uncertain Significance.

Institute of Human Genetics, Clinical Exome/Genome Diagnostics Group, University Hospital Bonn
Classification: Uncertain significance for Noonan syndrome 8. Last evaluated: 2023-10-27. Review status: criteria provided, single submitter. Criteria: ACMG Guidelines, 2015. Collection method: clinical testing. Allele origin: germline. Affected: yes.

3billion
Classification: Likely pathogenic for Noonan syndrome 8. Last evaluated: 2023-07-10. Review status: criteria provided, single submitter. Criteria: ACMG Guidelines, 2015. Collection method: clinical testing. Allele origin: germline. Affected: yes.
Comment: The variant is not observed in the gnomAD v2.1.1 dataset. Predicted Consequence/Location: Missense changes are a common disease-causing mechanism. In silico tool predictions suggest damaging effect of the variant on gene or gene product (REVEL: 0.77; 3Cnet: 0.92). Different missense changes at the same codon (p.Thr38Asn, p.Thr38Ser) have been reported as pathogenic/likely pathogenic with strong evidence (ClinVar ID: VCV000981601, VCV001053927). Therefore, this variant is classified as Likely pathogenic according to the recommendation of ACMG/AMP guideline.

Genome-Nilou Lab
Classification: Uncertain significance for Noonan syndrome 8. Last evaluated: 2023-04-11. Review status: criteria provided, single submitter. Criteria: ACMG Guidelines, 2015. Collection method: clinical testing. Allele origin: germline. Affected: no.

GeneDx
Classification: Uncertain significance. Last evaluated: 2022-10-17. Review status: criteria provided, single submitter. Criteria: GeneDx Variant Classification Process June 2021. Collection method: clinical testing. Allele origin: germline. Affected: yes.
Comment: Not observed at significant frequency in large population cohorts (gnomAD); In silico analysis supports that this missense variant has a deleterious effect on protein structure/function; Has not been previously published as pathogenic or benign to our knowledge

Molecular Genetics, Centre for Human Genetics
Classification: Uncertain significance for Noonan syndrome 1. Review status: no assertion criteria provided. Collection method: clinical testing. Allele origin: de novo. Inheritance: Autosomal dominant inheritance. Affected: yes. Observed: 1 variant allele. Not counted in ClinVar's aggregate classification.

Literature cited by the submitters: PubMed 27226556 (cited by Women's Health and Genetics/Laboratory Corporation of America, LabCorp); PubMed 24469055 (cited by Women's Health and Genetics/Laboratory Corporation of America, LabCorp).

NM_006912.6(RIT1):c.112A>G (p.Thr38Ala)

Gene: RIT1 (Ras like without CAAX 1; minus strand). Cytogenetic location: 1q22.
Variant type: single nucleotide variant.
Coding change: c.112A>G on transcript NM_006912.6 (MANE Select); coding-DNA position 112, A replaced by G.
Protein change: p.Thr38Ala; replaces threonine 38 with alanine.
Molecular consequence: missense variant.
Genome position (GRCh38, 1-based): chr1:155,910,501, T>C on the plus strand (A>G on the coding strand, the complement: RIT1 is on the minus strand). VCF-style: chr1-155910501-T-C. GRCh37 (hg19) VCF-style: chr1-155880292-T-C.
Other names: c.112A>G, p.Thr38Ala (LRG_1372t1); c.4A>G, p.Thr2Ala (NM_001256820.2); c.163A>G, p.Thr55Ala (NM_001256821.2); short protein forms T38A, T55A, T2A.
Identifiers: ClinVar variation 577778 (VCV000577778.18), dbSNP rs1557962699, ClinGen allele CA342776100.
Genomic context (GRCh38, chr1:155,910,501, plus strand): 5'-CTGGCTTACCAATGGTGGGATCATGATCTTCTGGGAATCGGTGGCTGATGAACTGCATGG[T>C]CATGGCTTCAAAAGAAGAAATAAAAGTCAAATCCTCACAAAGGTGACCCACAGAGAGAAT-3'
Protein context (NP_008843.1, residues 28-48): GAGGVGKSAM[Thr38Ala]MQFISHRFPE